The following is an entry in ClinVar:

ClinVar aggregate classification (germline): Likely benign (1 of 4 stars; one submission).

Allele frequency attached by ClinVar (database versions not stated): gnomAD exomes 0.00021; ExAC 0.00079; ESP Exome Variant Server 0.00228; gnomAD 0.00238; 1000 Genomes Project 0.00260; TOPMed 0.00274; 1000 Genomes Project 30x 0.00281.

Submission:

CeGaT Center for Human Genetics Tuebingen
Classification: Likely benign. Last evaluated: 2024-11-01. Review status: criteria provided, single submitter. Criteria: CeGaT Center For Human Genetics Tuebingen Variant Classification Criteria Version 2. Collection method: clinical testing. Allele origin: germline. Affected: yes. Observed: 3 variant alleles.
Comment: DPP6: BP4, BP7

NM_130797.4(DPP6):c.2580G>A (p.Glu860=)

Gene: DPP6 (dipeptidyl peptidase like 6; plus strand). Cytogenetic location: 7q36.2.
Variant type: single nucleotide variant.
Coding change: c.2580G>A on transcript NM_130797.4 (MANE Select); coding-DNA position 2580, G replaced by A.
Protein change: p.Glu860=; no amino-acid change (glutamic acid 860 retained).
Molecular consequence: synonymous variant. On other transcripts: non-coding transcript variant (2).
Genome position (GRCh38, 1-based): chr7:154,892,462, G>A. VCF-style: chr7-154892462-G-A. GRCh37 (hg19) VCF-style: chr7-154684172-G-A.
Other names: c.2394G>A, p.Glu798= (NM_001936.5); c.2388G>A, p.Glu796= (NM_001039350.3); c.2259G>A, p.Glu753= (NM_001290252.2); c.2397G>A, p.Glu799= (NM_001364497.2, NM_001364498.2, NM_001364499.2 and 1 more transcripts).
Identifiers: ClinVar variation 2658273 (VCV002658273.24), dbSNP rs61736424, ClinGen allele CA4584003.